The following is an entry in ClinVar:

NM_004525.3(LRP2):c.2264T>C (p.Ile755Thr)

Gene: LRP2 (LDL receptor related protein 2; minus strand). Cytogenetic location: 2q31.1.
Variant type: single nucleotide variant.
Coding change: c.2264T>C on transcript NM_004525.3 (MANE Select); coding-DNA position 2264, T replaced by C.
Protein change: p.Ile755Thr; replaces isoleucine 755 with threonine.
Molecular consequence: missense variant.
Genome position (GRCh38, 1-based): chr2:169,270,960, A>G on the plus strand (T>C on the coding strand, the complement: LRP2 is on the minus strand). VCF-style: chr2-169270960-A-G. GRCh37 (hg19) VCF-style: chr2-170127470-A-G.
Other names: short protein forms I755T.
Identifiers: ClinVar variation 1939420 (VCV001939420.3), dbSNP rs746032806, ClinGen allele CA1955343.

ClinVar aggregate classification (germline): Uncertain significance (1 of 4 stars; one submission).

Allele frequency attached by ClinVar (database versions not stated): gnomAD exomes below 0.00001; ExAC 0.00001.
gnomAD v4.1: 4 of 1,613,356 alleles (0.00025%); highest among the groups gnomAD compares: Non-Finnish European, 0.00034%; no homozygotes.

Submission:

Labcorp Genetics (formerly Invitae), Labcorp
Classification: Uncertain significance. Last evaluated: 2022-09-19. Review status: criteria provided, single submitter. Criteria: Invitae Variant Classification Sherloc (09022015). Collection method: clinical testing. Allele origin: germline.
Comment: In summary, the available evidence is currently insufficient to determine the role of this variant in disease. Therefore, it has been classified as a Variant of Uncertain Significance. Advanced modeling of protein sequence and biophysical properties (such as structural, functional, and spatial information, amino acid conservation, physicochemical variation, residue mobility, and thermodynamic stability) has been performed at Invitae for this missense variant, however the output from this modeling did not meet the statistical confidence thresholds required to predict the impact of this variant on LRP2 protein function. This variant has not been reported in the literature in individuals affected with LRP2-related conditions. This variant is present in population databases (rs746032806, gnomAD 0.0009%). This sequence change replaces isoleucine, which is neutral and non-polar, with threonine, which is neutral and polar, at codon 755 of the LRP2 protein (p.Ile755Thr).